The following is an entry in ClinVar:

ClinVar aggregate classification (germline): Likely benign. Review status: criteria provided, multiple submitters, no conflicts (2 of 4 stars). 2 submissions from 2 submitters: Likely benign (2). Last evaluated 2025-05-06.

Conditions:
SIM1-related disorder. Also called: SIM1-related disorders; SIM1-related condition.

gnomAD v4.1: 1 of 1,613,938 alleles (0.000062%); highest among the groups gnomAD compares: Admixed American, 0.0017%; no homozygotes.

Submissions (2):

Labcorp Genetics (formerly Invitae), Labcorp
Classification: Likely benign. Last evaluated: 2025-05-06. Review status: criteria provided, single submitter. Criteria: Invitae Variant Classification Sherloc (09022015). Collection method: clinical testing. Allele origin: germline.

PreventionGenetics, part of Exact Sciences
Classification: Likely benign for SIM1-related condition. Last evaluated: 2024-10-10. Review status: criteria provided, single submitter. Criteria: ACMG Guidelines, 2015. Collection method: clinical testing. Allele origin: germline.
Comment: This variant is classified as likely benign based on ACMG/AMP sequence variant interpretation guidelines (Richards et al. 2015 PMID: 25741868, with internal and published modifications).

NM_005068.3(SIM1):c.597C>A (p.Ser199=)

Gene: SIM1 (SIM bHLH transcription factor 1; minus strand). Cytogenetic location: 6q16.3.
Variant type: single nucleotide variant.
Coding change: c.597C>A on transcript NM_005068.3 (MANE Select); coding-DNA position 597, C replaced by A.
Protein change: p.Ser199=; no amino-acid change (serine 199 retained).
Molecular consequence: synonymous variant.
Genome position (GRCh38, 1-based): chr6:100,448,625, G>T on the plus strand (C>A on the coding strand, the complement: SIM1 is on the minus strand). VCF-style: chr6-100448625-G-T. GRCh37 (hg19) VCF-style: chr6-100896501-G-T.
Other names: c.597C>A (NM_005068.2); c.597C>A, p.Ser199= (NM_001374769.1).
Identifiers: ClinVar variation 4781364 (VCV004781364.2).
Genomic context (GRCh38, chr6:100,448,625, plus strand): 5'-GGGAGGCAGCGAGTGGCCCACGGCCACCAGGCCCACGTTTTGGTAGCAGCCGTCGAAGGG[G>T]GACATGTCCAGGCTGTACTGGCGGATCTTCAAGTAGCCGCTGCAGTGGATGACCTGAGGC-3'
Protein context (NP_005059.2, residues 189-209): LKIRQYSLDM[Ser199=]PFDGCYQNVG